The following is an entry in ClinVar:

NM_032578.4(MYPN):c.2317A>G (p.Lys773Glu)

Gene: MYPN (myopalladin; plus strand). Cytogenetic location: 10q21.3.
Variant type: single nucleotide variant.
Coding change: c.2317A>G on transcript NM_032578.4 (MANE Select); coding-DNA position 2317, A replaced by G.
Protein change: p.Lys773Glu; replaces lysine 773 with glutamic acid.
Molecular consequence: missense variant. On other transcripts: non-coding transcript variant (2).
Genome position (GRCh38, 1-based): chr10:68,174,409, A>G. VCF-style: chr10-68174409-A-G. GRCh37 (hg19) VCF-style: chr10-69934166-A-G.
Other names: c.2317A>G, p.Lys773Glu (NM_001256267.2); c.1435A>G, p.Lys479Glu (NM_001256268.2); short protein forms K773E, K479E.
Identifiers: ClinVar variation 566021 (VCV000566021.11), dbSNP rs760331604, ClinGen allele CA5522770.

ClinVar aggregate classification (germline): Uncertain significance. Review status: criteria provided, multiple submitters, no conflicts (2 of 4 stars). 3 submissions from 3 submitters: Uncertain significance (3). Last evaluated 2025-01-20.

Conditions:
Cardiovascular phenotype. Identifiers: MedGen CN230736.
Dilated cardiomyopathy 1KK (CMD1KK). Identifiers: Orphanet 154, Orphanet 75249, MedGen C3714995, MONDO:0014100, OMIM 615248.

Allele frequency attached by ClinVar (database versions not stated): ExAC below 0.00001; gnomAD exomes below 0.00001 and 0.00001.
gnomAD v4.1: 11 of 1,614,066 alleles (0.00068%); highest among the groups gnomAD compares: Middle Eastern, 0.016%; no homozygotes.

Submissions (3):

Ambry Genetics
Classification: Uncertain significance for Cardiovascular phenotype. Last evaluated: 2025-01-20. Review status: criteria provided, single submitter. Criteria: Ambry Variant Classification Scheme 2023. Collection method: clinical testing. Allele origin: germline.

Labcorp Genetics (formerly Invitae), Labcorp
Classification: Uncertain significance for Dilated cardiomyopathy 1KK. Last evaluated: 2021-05-08. Review status: criteria provided, single submitter. Criteria: Invitae Variant Classification Sherloc (09022015). Collection method: clinical testing. Allele origin: germline.
Comment: In summary, the available evidence is currently insufficient to determine the role of this variant in disease. Therefore, it has been classified as a Variant of Uncertain Significance. Algorithms developed to predict the effect of missense changes on protein structure and function (SIFT, PolyPhen-2, Align-GVGD) all suggest that this variant is likely to be tolerated, but these predictions have not been confirmed by published functional studies and their clinical significance is uncertain. This variant has not been reported in the literature in individuals with MYPN-related disease. The frequency data for this variant in the population databases is considered unreliable, as metrics indicate poor data quality at this position in the ExAC database. This sequence change replaces lysine with glutamic acid at codon 773 of the MYPN protein (p.Lys773Glu). The lysine residue is weakly conserved and there is a small physicochemical difference between lysine and glutamic acid.

GeneDx
Classification: Uncertain significance. Last evaluated: 2020-01-29. Review status: criteria provided, single submitter. Criteria: GeneDx Variant Classification Process June 2021. Collection method: clinical testing. Allele origin: germline. Affected: yes.
Comment: Has not been previously published as pathogenic or benign to our knowledge; Not observed at a significant frequency in large population cohorts (Lek et al., 2016); Reported in ClinVar as a variant of uncertain significance (ClinVar Variant ID# 566021; Landrum et al., 2016); In silico analysis, which includes protein predictors and evolutionary conservation, supports that this variant does not alter protein structure/function